The following is an entry in ClinVar:

NM_000171.4(GLRA1):c.801G>A (p.Trp267Ter)

Gene: GLRA1 (glycine receptor alpha 1; minus strand). Cytogenetic location: 5q33.1.
Variant type: single nucleotide variant.
Coding change: c.801G>A on transcript NM_000171.4 (MANE Select); coding-DNA position 801, G replaced by A.
Protein change: p.Trp267Ter; replaces tryptophan 267 with a stop codon.
Molecular consequence: nonsense.
Genome position (GRCh38, 1-based): chr5:151,851,501, C>T on the plus strand (G>A on the coding strand, the complement: GLRA1 is on the minus strand). VCF-style: chr5-151851501-C-T. GRCh37 (hg19) VCF-style: chr5-151231062-C-T.
Other names: c.801G>A, p.Trp267Ter (NM_001146040.2); c.552G>A, p.Trp184Ter (NM_001292000.2); short protein forms W184*, W267*.
Identifiers: ClinVar variation 4535100 (VCV004535100.6).
Genomic context (GRCh38, chr5:151,851,501, plus strand): 5'-AGTGGTGATGCCTAGGCCCACACGAGCAGGTGCAGCATCCATGTTGATCCAGAAGGAGAT[C>T]CATGAGAGGATGACAATGAGCAGGCTGGGAATATACATCTGAATCAGGTAGTAACCCATC-3'

ClinVar aggregate classification (germline): Pathogenic (1 of 4 stars; one submission).

Submission:

CeGaT Center for Human Genetics Tuebingen
Classification: Pathogenic. Last evaluated: 2025-11-01. Review status: criteria provided, single submitter. Criteria: CeGaT Center For Human Genetics Tuebingen Variant Classification Criteria Version 2. Collection method: clinical testing. Allele origin: germline. Affected: yes. Observed: 1 variant allele.
Comment: GLRA1: PVS1, PM2